The following is an entry in ClinVar:

NM_001375524.1(TRRAP):c.3694G>C (p.Ala1232Pro)

Gene: TRRAP (transformation/transcription domain associated protein; plus strand). Cytogenetic location: 7q22.1.
Variant type: single nucleotide variant.
Coding change: c.3694G>C on transcript NM_001375524.1 (MANE Select); coding-DNA position 3694, G replaced by C.
Protein change: p.Ala1232Pro; replaces alanine 1232 with proline.
Molecular consequence: missense variant.
Genome position (GRCh38, 1-based): chr7:98,931,507, G>C. VCF-style: chr7-98931507-G-C. GRCh37 (hg19) VCF-style: chr7-98529130-G-C.
Other names: c.3694G>C, p.Ala1232Pro (NM_001244580.2, NM_003496.4); short protein forms A1232P.
Identifiers: ClinVar variation 4282173 (VCV004282173.1).

ClinVar aggregate classification (germline): Uncertain significance (1 of 4 stars; one submission).

Submission:

GeneDx
Classification: Uncertain significance. Last evaluated: 2025-04-17. Review status: criteria provided, single submitter. Criteria: GeneDx Variant Classification Process June 2021. Collection method: clinical testing. Allele origin: germline. Affected: yes.
Comment: Not observed at significant frequency in large population cohorts (gnomAD); In silico analysis supports that this missense variant has a deleterious effect on protein structure/function; Has not been previously published as pathogenic or benign to our knowledge